The following is an entry in ClinVar:

NM_007144.3(PCGF2):c.113-5C>T

Gene: PCGF2 (polycomb group ring finger 2; minus strand). Cytogenetic location: 17q12.
Variant type: single nucleotide variant.
Coding change: c.113-5C>T on transcript NM_007144.3 (MANE Select); 5 bases into the intron before coding-DNA position 113, C replaced by T.
Molecular consequence: intron variant.
Genome position (GRCh38, 1-based): chr17:38,739,687, G>A on the plus strand (C>T on the coding strand, the complement: PCGF2 is on the minus strand). VCF-style: chr17-38739687-G-A. GRCh37 (hg19) VCF-style: chr17-36895940-G-A.
Other names: c.113-5C>T (NM_001369614.1, NM_001369615.1).
Identifiers: ClinVar variation 1986866 (VCV001986866.5), dbSNP rs780384111, ClinGen allele CA290334039.

ClinVar aggregate classification (germline): Conflicting classifications of pathogenicity. Review status: criteria provided, conflicting classifications (1 of 4 stars). 2 submissions from 2 submitters: Uncertain significance (1); Likely benign (1). Last evaluated 2026-01-02.

Conditions:
Inborn genetic diseases. Identifiers: MedGen C0950123, MeSH D030342.

Allele frequency attached by ClinVar (database versions not stated): gnomAD 0.00001; TOPMed 0.00001; gnomAD exomes 0.00003.
gnomAD v4.1: 46 of 1,611,650 alleles (0.0029%); highest among the groups gnomAD compares: Non-Finnish European, 0.0037%; no homozygotes.

Submissions (2):

Labcorp Genetics (formerly Invitae), Labcorp
Classification: Likely benign. Last evaluated: 2026-01-02. Review status: criteria provided, single submitter. Criteria: Invitae Variant Classification Sherloc (09022015). Collection method: clinical testing. Allele origin: germline.

Ambry Genetics
Classification: Uncertain significance for Inborn genetic diseases. Last evaluated: 2021-12-10. Review status: criteria provided, single submitter. Criteria: Ambry Variant Classification Scheme 2023. Collection method: clinical testing. Allele origin: germline.
Comment: The c.113-5C>T intronic alteration consists of a C to T substitution 5 nucleotides before coding exon 2 in the PCGF2 gene. Based on insufficient or conflicting evidence, the clinical significance of this alteration remains unclear.